The following is an entry in ClinVar:

NM_001040436.3(YARS2):c.1240C>T (p.Arg414Cys)

Gene: YARS2 (tyrosyl-tRNA synthetase 2; minus strand). Cytogenetic location: 12p11.21.
Variant type: single nucleotide variant.
Coding change: c.1240C>T on transcript NM_001040436.3 (MANE Select); coding-DNA position 1240, C replaced by T.
Protein change: p.Arg414Cys; replaces arginine 414 with cysteine.
Molecular consequence: missense variant.
Genome position (GRCh38, 1-based): chr12:32,749,971, G>A on the plus strand (C>T on the coding strand, the complement: YARS2 is on the minus strand). VCF-style: chr12-32749971-G-A. GRCh37 (hg19) VCF-style: chr12-32902905-G-A.
Other names: short protein forms R414C.
Identifiers: ClinVar variation 4698316 (VCV004698316.1).

ClinVar aggregate classification (germline): Uncertain significance (1 of 4 stars; one submission).

gnomAD v4.1: 13 of 1,613,912 alleles (0.00081%); highest among the groups gnomAD compares: Admixed American, 0.0017%; no homozygotes.

Submission:

Labcorp Genetics (formerly Invitae), Labcorp
Classification: Uncertain significance. Last evaluated: 2025-04-21. Review status: criteria provided, single submitter. Criteria: Invitae Variant Classification Sherloc (09022015). Collection method: clinical testing. Allele origin: germline.
Comment: This sequence change replaces arginine, which is basic and polar, with cysteine, which is neutral and slightly polar, at codon 414 of the YARS2 protein (p.Arg414Cys). This variant is present in population databases (no rsID available, gnomAD 0.007%). This variant has not been reported in the literature in individuals affected with YARS2-related conditions. Invitae Evidence Modeling of protein sequence and biophysical properties (such as structural, functional, and spatial information, amino acid conservation, physicochemical variation, residue mobility, and thermodynamic stability) has been performed for this missense variant. However, the output from this modeling did not meet the statistical confidence thresholds required to predict the impact of this variant on YARS2 protein function. In summary, the available evidence is currently insufficient to determine the role of this variant in disease. Therefore, it has been classified as a Variant of Uncertain Significance.